The following is an entry in ClinVar:

ClinVar aggregate classification (germline): Likely pathogenic (1 of 4 stars; one submission).

gnomAD v4.1: 10 of 1,197,568 alleles (0.00084%); highest among the groups gnomAD compares: South Asian, 0.0045%; no homozygotes.

Submission:

GeneDx
Classification: Likely pathogenic. Last evaluated: 2026-02-09. Review status: criteria provided, single submitter. Criteria: GeneDx Variant Classification Process June 2021. Collection method: clinical testing. Allele origin: germline.
Comment: Nonsense variant predicted to result in protein truncation or nonsense mediated decay in a gene for which loss of function is a known mechanism of disease; Not observed at significant frequency in large population cohorts (gnomAD); Has not been previously published as pathogenic or benign to our knowledge

NM_000297.4(PKD2):c.22C>T (p.Gln8Ter)

Genes: PKD2 (polycystin 2, transient receptor potential cation channel; plus strand), LOC129992813 (ATAC-STARR-seq lymphoblastoid silent region 15559; plus strand). Cytogenetic location: 4q22.1.
Variant type: single nucleotide variant.
Coding change: c.22C>T on transcript NM_000297.4 (MANE Select); coding-DNA position 22, C replaced by T.
Protein change: p.Gln8Ter; replaces glutamine 8 with a stop codon.
Molecular consequence: nonsense. On other transcripts: non-coding transcript variant (1).
Genome position (GRCh38, 1-based): chr4:88,007,755, C>T. VCF-style: chr4-88007755-C-T. GRCh37 (hg19) VCF-style: chr4-88928907-C-T.
Other names: c.22C>T, p.Gln8Ter (NM_001440544.1); short protein forms Q8*.
Identifiers: ClinVar variation 4891518 (VCV004891518.1).